The following is an entry in ClinVar:

NM_020461.4(TUBGCP6):c.3564_3644del (p.Ala1194_Asp1220del)

Gene: TUBGCP6 (tubulin gamma complex component 6; minus strand). Cytogenetic location: 22q13.33.
Variant type: Deletion.
Coding change: c.3564_3644del on transcript NM_020461.4 (MANE Select); coding-DNA positions 3564 to 3644, 81 bases deleted.
Protein change: p.Ala1194_Asp1220del.
Molecular consequence: inframe deletion.
Genome position (GRCh38, 1-based): chr22:50,220,715-50,220,795, 81 bases deleted. GRCh37 (hg19): chr22:50,659,166-50,659,246.
Identifiers: ClinVar variation 1936058 (VCV001936058.2), dbSNP rs2064504612, ClinGen allele CA10307874.

ClinVar aggregate classification (germline): Uncertain significance (1 of 4 stars; one submission).

Submission:

Labcorp Genetics (formerly Invitae), Labcorp
Classification: Uncertain significance. Last evaluated: 2022-08-19. Review status: criteria provided, single submitter. Criteria: Invitae Variant Classification Sherloc (09022015). Collection method: clinical testing. Allele origin: germline.
Comment: This variant, c.3564_3644del, results in the deletion of 27 amino acid(s) of the TUBGCP6 protein (p.Ala1194_Asp1220del), but otherwise preserves the integrity of the reading frame. This variant is present in population databases (no rsID available, gnomAD 0.004%). This variant has not been reported in the literature in individuals affected with TUBGCP6-related conditions. Experimental studies and prediction algorithms are not available or were not evaluated, and the functional significance of this variant is currently unknown. In summary, the available evidence is currently insufficient to determine the role of this variant in disease. Therefore, it has been classified as a Variant of Uncertain Significance.